The following is an entry in ClinVar:

ClinVar aggregate classification (germline): Likely pathogenic (1 of 4 stars; one submission).

Submission:

Labcorp Genetics (formerly Invitae), Labcorp
Classification: Likely pathogenic. Last evaluated: 2025-03-06. Review status: criteria provided, single submitter. Criteria: Invitae Variant Classification Sherloc (09022015). Collection method: clinical testing. Allele origin: germline.
Comment: This sequence change affects a splice site in intron 14 of the SLC4A1 gene. It is expected to disrupt RNA splicing. Variants that disrupt the donor or acceptor splice site typically lead to a loss of protein function (PMID: 16199547), and loss-of-function variants in SLC4A1 are known to be pathogenic (PMID: 8943874, 10926824, 23255290). This variant is not present in population databases (gnomAD no frequency). Disruption of this splice site has been observed in individual(s) with autosomal dominant hereditary spherocytosis (internal data). Algorithms developed to predict the effect of sequence changes on RNA splicing suggest that this variant may disrupt the consensus splice site. In summary, the currently available evidence indicates that the variant is pathogenic, but additional data are needed to prove that conclusively. Therefore, this variant has been classified as Likely Pathogenic.

Literature cited by the submitters: PubMed 16199547; PubMed 8943874; PubMed 10926824; PubMed 23255290.

NM_000342.4(SLC4A1):c.1801-2del

Gene: SLC4A1 (solute carrier family 4 member 1 (Diego blood group); minus strand). Cytogenetic location: 17q21.31.
Variant type: Deletion.
Coding change: c.1801-2del on transcript NM_000342.4 (MANE Select); the canonical splice acceptor site of the intron before coding-DNA position 1801, one base deleted (A; older notation c.1801-2delA).
Molecular consequence: splice acceptor variant.
Genome position (GRCh38, 1-based): chr17:44,255,298, T deleted on the plus strand (A on the coding strand, the reverse complement: SLC4A1 is on the minus strand). VCF-style (leftmost placement, unchanged base first): chr17-44255297-CT-C. GRCh37 (hg19) VCF-style: chr17-42332665-CT-C.
Identifiers: ClinVar variation 4714575 (VCV004714575.1).